The following is an entry in ClinVar:

NM_031844.3(HNRNPU):c.227A>G (p.Gln76Arg)

Gene: HNRNPU (heterogeneous nuclear ribonucleoprotein U; minus strand). Cytogenetic location: 1q44.
Variant type: single nucleotide variant.
Coding change: c.227A>G on transcript NM_031844.3 (MANE Select); coding-DNA position 227, A replaced by G.
Protein change: p.Gln76Arg; replaces glutamine 76 with arginine.
Molecular consequence: missense variant.
Genome position (GRCh38, 1-based): chr1:244,864,081, T>C on the plus strand (A>G on the coding strand, the complement: HNRNPU is on the minus strand). VCF-style: chr1-244864081-T-C. GRCh37 (hg19) VCF-style: chr1-245027383-T-C.
Other names: c.227A>G (NM_031844.2); c.227A>G, p.Gln76Arg (NM_004501.3); short protein forms Q76R.
Identifiers: ClinVar variation 3720915 (VCV003720915.3).
Genomic context (GRCh38, chr1:244,864,081, plus strand): 5'-ATTCCTTCCTCCTCCTCTTCCTCTTCCTCCTCCTCTTCATCGCCGCCGGCCGCGGCCTCC[T>C]GCTCGAGGCCTGCTCCCGAGCGCCCAGCGGAATCCCCGCCCAGGTCTAGGCTGCCGTTCC-3'
Protein context (NP_114032.2, residues 66-86): SAGRSGAGLE[Gln76Arg]EAAAGGDEEE

ClinVar aggregate classification (germline): Uncertain significance. Review status: criteria provided, multiple submitters, no conflicts (2 of 4 stars). 2 submissions from 2 submitters: Uncertain significance (2). Last evaluated 2026-07-02.

Conditions:
Inborn genetic diseases. Identifiers: MedGen C0950123, MeSH D030342.
Developmental and epileptic encephalopathy, 54. Also called: HNRNPU-Related Neurodevelopmental Disorder; Epileptic encephalopathy, early infantile, 54. Identifiers: MedGen C4479319, MONDO:0033363, OMIM 617391.

gnomAD v4.1: 1 of 1,600,074 alleles (0.000062%); highest among the groups gnomAD compares: Non-Finnish European, 0.000085%; no homozygotes.

Submissions (2):

Ambry Genetics
Classification: Uncertain significance for Inborn genetic diseases. Last evaluated: 2026-07-02. Review status: criteria provided, single submitter. Criteria: Ambry Variant Classification Scheme 2023. Collection method: clinical testing. Allele origin: germline.

Labcorp Genetics (formerly Invitae), Labcorp
Classification: Uncertain significance for Developmental and epileptic encephalopathy, 54. Last evaluated: 2024-11-06. Review status: criteria provided, single submitter. Criteria: Invitae Variant Classification Sherloc (09022015). Collection method: clinical testing. Allele origin: germline.
Comment: This sequence change replaces glutamine, which is neutral and polar, with arginine, which is basic and polar, at codon 76 of the HNRNPU protein (p.Gln76Arg). This variant is not present in population databases (gnomAD no frequency). This variant has not been reported in the literature in individuals affected with HNRNPU-related conditions. Invitae Evidence Modeling of protein sequence and biophysical properties (such as structural, functional, and spatial information, amino acid conservation, physicochemical variation, residue mobility, and thermodynamic stability) indicates that this missense variant is not expected to disrupt HNRNPU protein function with a negative predictive value of 95%. In summary, the available evidence is currently insufficient to determine the role of this variant in disease. Therefore, it has been classified as a Variant of Uncertain Significance.